The following is an entry in ClinVar:

NM_015295.3(SMCHD1):c.1186C>A (p.Gln396Lys)

Gene: SMCHD1 (structural maintenance of chromosomes flexible hinge domain containing 1; plus strand). Cytogenetic location: 18p11.32.
Variant type: single nucleotide variant.
Coding change: c.1186C>A on transcript NM_015295.3 (MANE Select); coding-DNA position 1186, C replaced by A.
Protein change: p.Gln396Lys; replaces glutamine 396 with lysine.
Molecular consequence: missense variant.
Genome position (GRCh38, 1-based): chr18:2,697,885, C>A. VCF-style: chr18-2697885-C-A. GRCh37 (hg19) VCF-style: chr18-2697883-C-A.
Other names: c.1186C>A (NM_015295.2); short protein forms Q396K.
Identifiers: ClinVar variation 288633 (VCV000288633.13), dbSNP rs377471712, ClinGen allele CA8870710.

ClinVar aggregate classification (germline): Uncertain significance. Review status: criteria provided, multiple submitters, no conflicts (2 of 4 stars). 4 submissions from 4 submitters: Uncertain significance (4). Last evaluated 2023-12-10.

Conditions:
Facioscapulohumeral muscular dystrophy 2 (FSHD2). Also called: FACIOSCAPULOHUMERAL MUSCULAR DYSTROPHY 2, DIGENIC; FSHD2, DIGENIC; MUSCULAR DYSTROPHY, FACIOSCAPULOHUMERAL, TYPE 1B. Identifiers: Orphanet 269, MedGen C1834671, MONDO:0008031, OMIM 158901.
Arrhinia with choanal atresia and microphthalmia syndrome. Also called: Arrhinia-choanal atresia-microphthalmia syndrome; Arhinia, choanal atresia, and microphthalmia; ARHINIA, CHOANAL ATRESIA, MICROPHTHALMIA, AND HYPOGONADOTROPIC HYPOGONADISM. Identifiers: Orphanet 1135, Orphanet 2250, MedGen C1863878, MONDO:0011323, OMIM 603457.

Allele frequency attached by ClinVar (database versions not stated): gnomAD exomes 0.00001; ExAC 0.00002; gnomAD 0.00003; TOPMed 0.00005; ESP Exome Variant Server 0.00008.
gnomAD v4.1: 74 of 1,613,552 alleles (0.0046%); highest among the groups gnomAD compares: Admixed American, 0.0067%; no homozygotes.

Submissions (4):

Labcorp Genetics (formerly Invitae), Labcorp
Classification: Uncertain significance for Facioscapulohumeral muscular dystrophy 2. Last evaluated: 2023-12-10. Review status: criteria provided, single submitter. Criteria: Invitae Variant Classification Sherloc (09022015). Collection method: clinical testing. Allele origin: germline.
Comment: This sequence change replaces glutamine, which is neutral and polar, with lysine, which is basic and polar, at codon 396 of the SMCHD1 protein (p.Gln396Lys). This variant is present in population databases (rs377471712, gnomAD 0.003%). This variant has not been reported in the literature in individuals affected with SMCHD1-related conditions. ClinVar contains an entry for this variant (Variation ID: 288633). Advanced modeling of protein sequence and biophysical properties (such as structural, functional, and spatial information, amino acid conservation, physicochemical variation, residue mobility, and thermodynamic stability) performed at Invitae indicates that this missense variant is not expected to disrupt SMCHD1 protein function with a negative predictive value of 80%. In summary, the available evidence is currently insufficient to determine the role of this variant in disease. Therefore, it has been classified as a Variant of Uncertain Significance.

Revvity Omics, Revvity
Classification: Uncertain significance. Last evaluated: 2021-12-02. Review status: criteria provided, single submitter. Criteria: ACMG Guidelines, 2015. Collection method: clinical testing. Allele origin: germline.

Department of Pathology and Laboratory Medicine, Sinai Health System
Classification: Uncertain significance for Facioscapulohumeral muscular dystrophy 2; Arrhinia with choanal atresia and microphthalmia syndrome. Last evaluated: 2021-07-30. Review status: criteria provided, single submitter. Criteria: ACMG Guidelines, 2015. Collection method: research. Allele origin: germline.

Eurofins Ntd Llc (ga)
Classification: Uncertain significance. Last evaluated: 2016-06-08. Review status: criteria provided, single submitter. Criteria: EGL Classification Definitions 2015. Collection method: clinical testing. Allele origin: germline. Observed: 1 variant allele, 1 heterozygote.